The following is an entry in ClinVar:

NM_001244008.2(KIF1A):c.874C>G (p.Pro292Ala)

Gene: KIF1A (kinesin family member 1A; minus strand). Cytogenetic location: 2q37.3.
Variant type: single nucleotide variant.
Coding change: c.874C>G on transcript NM_001244008.2 (MANE Select); coding-DNA position 874, C replaced by G.
Protein change: p.Pro292Ala; replaces proline 292 with alanine.
Molecular consequence: missense variant.
Genome position (GRCh38, 1-based): chr2:240,782,598, G>C on the plus strand (C>G on the coding strand, the complement: KIF1A is on the minus strand). VCF-style: chr2-240782598-G-C. GRCh37 (hg19) VCF-style: chr2-241722015-G-C.
Other names: c.874C>G, p.Pro292Ala (NM_001320705.2, NM_001330289.2, NM_001330290.2 and 21 more transcripts); short protein forms P292A.
Identifiers: ClinVar variation 2945969 (VCV002945969.3), dbSNP rs2538238935, ClinGen allele CA351301561.

ClinVar aggregate classification (germline): Uncertain significance (1 of 4 stars; one submission).

Conditions:
Neuropathy, hereditary sensory, type 2C. Also called: KIF1A-Related HSAN2 (HSAN2C); Hereditary sensory and autonomic neuropathy type IIC. Identifiers: Orphanet 970, MedGen C3280168, MONDO:0013634, OMIM 614213.
Hereditary spastic paraplegia 30. Identifiers: Orphanet 101010, MedGen C5235139, MONDO:0012476.
Intellectual disability, autosomal dominant 9 (NESCAVS). Also called: NESCAV SYNDROME; KIF1A-Related Neurodevelopmental Disorder. Identifiers: Orphanet 662367, MedGen C5393830, MONDO:0013656, OMIM 614255.

Submission:

Labcorp Genetics (formerly Invitae), Labcorp
Classification: Uncertain significance for Hereditary spastic paraplegia 30; Neuropathy, hereditary sensory, type 2C; Intellectual disability, autosomal dominant 9. Last evaluated: 2023-03-30. Review status: criteria provided, single submitter. Criteria: Invitae Variant Classification Sherloc (09022015). Collection method: clinical testing. Allele origin: germline.
Comment: In summary, the available evidence is currently insufficient to determine the role of this variant in disease. Therefore, it has been classified as a Variant of Uncertain Significance. Advanced modeling of protein sequence and biophysical properties (such as structural, functional, and spatial information, amino acid conservation, physicochemical variation, residue mobility, and thermodynamic stability) performed at Invitae indicates that this missense variant is expected to disrupt KIF1A protein function. This variant has not been reported in the literature in individuals affected with KIF1A-related conditions. This variant is not present in population databases (gnomAD no frequency). This sequence change replaces proline, which is neutral and non-polar, with alanine, which is neutral and non-polar, at codon 292 of the KIF1A protein (p.Pro292Ala).